The following is an entry in ClinVar:

ClinVar aggregate classification (germline): Uncertain significance. Review status: criteria provided, multiple submitters, no conflicts (2 of 4 stars). 4 submissions from 4 submitters: Uncertain significance (4). Last evaluated 2025-09-09.

Conditions:
Cardiomyopathy (CMYO). Also called: Cardiomyopathies. Identifiers: Orphanet 167848, MedGen C0878544, MONDO:0004994, HP:0001638. Inheritance: Various modes of inheritance.
Cardiovascular phenotype. Identifiers: MedGen CN230736.
Hypertrophic cardiomyopathy. Also called: HYPERTROPHIC MYOCARDIOPATHY. Identifiers: Orphanet 217569, MedGen C0007194, MeSH D002312, MONDO:0005045, HP:0001639.

Allele frequency attached by ClinVar (database versions not stated): gnomAD exomes 0.00001; ExAC 0.00004.
gnomAD v4.1: 9 of 1,596,764 alleles (0.00056%); highest among the groups gnomAD compares: South Asian, 0.0011%; no homozygotes.

Submissions (4):

Labcorp Genetics (formerly Invitae), Labcorp
Classification: Uncertain significance for Hypertrophic cardiomyopathy. Last evaluated: 2025-09-09. Review status: criteria provided, single submitter. Criteria: Invitae Variant Classification Sherloc (09022015). Collection method: clinical testing. Allele origin: germline.
Comment: This sequence change replaces histidine, which is basic and polar, with tyrosine, which is neutral and polar, at codon 287 of the MYBPC3 protein (p.His287Tyr). The frequency data for this variant in the population databases is considered unreliable, as metrics indicate poor data quality at this position in the gnomAD database. This missense change has been observed in individual(s) with hypertrophic cardiomyopathy (PMID: 20624503, 25351510). ClinVar contains an entry for this variant (Variation ID: 918682). An algorithm developed to predict the effect of missense changes on protein structure and function (PolyPhen-2) suggests that this variant is likely to be disruptive. In summary, the available evidence is currently insufficient to determine the role of this variant in disease. Therefore, it has been classified as a Variant of Uncertain Significance.

Ambry Genetics
Classification: Uncertain significance for Cardiovascular phenotype. Last evaluated: 2025-05-17. Review status: criteria provided, single submitter. Criteria: Ambry Variant Classification Scheme 2023. Collection method: clinical testing. Allele origin: germline.
Comment: The p.H287Y variant (also known as c.859C>T), located in coding exon 9 of the MYBPC3 gene, results from a C to T substitution at nucleotide position 859. The histidine at codon 287 is replaced by tyrosine, an amino acid with similar properties. This alteration has been reported in hypertrophic cardiomyopathy (HCM) cohorts; however, clinical details were limited (Millat G et al. Eur J Med Genet, 2010 Jul;53:261-7; Lopes LR et al. Heart, 2015 Feb;101:294-301). This amino acid position is well conserved in available vertebrate species. In addition, the in silico prediction for this alteration is inconclusive. Based on the available evidence, the clinical significance of this variant remains unclear.

All of Us Research Program, National Institutes of Health
Classification: Uncertain significance for Hypertrophic cardiomyopathy. Last evaluated: 2024-04-25. Review status: criteria provided, single submitter. Criteria: ACMG Guidelines, 2015. Collection method: clinical testing. Allele origin: germline. Inheritance: Autosomal dominant inheritance. Observed: 3 variant alleles, 3 heterozygotes.
Comment: This missense variant replaces histidine with tyrosine at codon 287 of the MYBPC3 protein. Computational prediction suggests that this variant may not impact protein structure and function (internally defined REVEL score threshold <= 0.5, PMID: 27666373). Splice site prediction tools suggest that this variant may not impact RNA splicing. To our knowledge, functional studies have not been performed for this variant. This variant has been reported in an individual affected with hypertrophic cardiomyopathy, who also carried two pathogenic variants in the same gene (PMID: 20624503). This variant has been identified in 3/222364 chromosomes in the general population by the Genome Aggregation Database (gnomAD). The available evidence is insufficient to determine the role of this variant in disease conclusively. Therefore, this variant is classified as a Variant of Uncertain Significance.

This study involves interpretation of variants in research participants for the purpose of population health screening. Participant phenotype was not available at the time of variant classification. Additional details can be found in publication PMID: 35346344, PMCID: PMC8962531

Color Diagnostics, LLC DBA Color Health
Classification: Uncertain significance for Cardiomyopathy. Last evaluated: 2024-04-12. Review status: criteria provided, single submitter. Criteria: ACMG Guidelines, 2015. Collection method: clinical testing. Allele origin: germline.
Comment: This missense variant replaces histidine with tyrosine at codon 287 of the MYBPC3 protein. Computational prediction tools indicate that this variant has a neutral impact on protein structure and function. To our knowledge, functional studies have not been reported for this variant. This variant has been reported in two individuals affected with hypertrophic cardiomyopathy (PMID: 20624503, 25351510). One of these individuals also carried two additional pathogenic variants in the same gene (PMID: 20624503). This variant has been identified in 3/222364 chromosomes in the general population by the Genome Aggregation Database (gnomAD). The available evidence is insufficient to determine the role of this variant in disease conclusively. Therefore, this variant is classified as a Variant of Uncertain Significance.

Literature cited by the submitters: PubMed 20624503 (cited by 4 submitters); PubMed 25351510 (cited by 3 submitters).

NM_000256.3(MYBPC3):c.859C>T (p.His287Tyr)

Gene: MYBPC3 (myosin binding protein C3; minus strand). Cytogenetic location: 11p11.2.
Variant type: single nucleotide variant.
Coding change: c.859C>T on transcript NM_000256.3 (MANE Select); coding-DNA position 859, C replaced by T.
Protein change: p.His287Tyr; replaces histidine 287 with tyrosine.
Molecular consequence: missense variant.
Genome position (GRCh38, 1-based): chr11:47,347,472, G>A on the plus strand (C>T on the coding strand, the complement: MYBPC3 is on the minus strand). VCF-style: chr11-47347472-G-A. GRCh37 (hg19) VCF-style: chr11-47369023-G-A.
Other names: short protein forms H287Y.
Identifiers: ClinVar variation 918682 (VCV000918682.9), dbSNP rs776238883, ClinGen allele CA057199.